The following is an entry in ClinVar:

ClinVar aggregate classification (germline): Uncertain significance. Review status: criteria provided, multiple submitters, no conflicts (2 of 4 stars). 2 submissions from 2 submitters: Uncertain significance (2). Last evaluated 2024-05-23.

Conditions:
Retinal dystrophy. Also called: Inherited retinal dystrophy. Identifiers: Orphanet 71862, MedGen C0854723, MeSH D058499, MONDO:0019118, HP:0000556.

Submissions (2):

Women's Health and Genetics/Laboratory Corporation of America, LabCorp
Classification: Uncertain significance. Last evaluated: 2024-05-23. Review status: criteria provided, single submitter. Criteria: LabCorp Variant Classification Summary - May 2015. Collection method: clinical testing. Allele origin: germline.
Comment: Variant summary: CRB1 c.2711C>G (p.Ser904Cys) results in a non-conservative amino acid change located in the EGF-like domain (IPR000742) of the encoded protein sequence. Four of five in-silico tools predict a damaging effect of the variant on protein function. The variant was absent in 251390 control chromosomes. c.2711C>G has been reported in the literature in the compound heterozygous state in individuals affected with Retinal Dystrophy (e.g. Xu_2014, Suga_2022). These data indicate that the variant may be associated with disease. To our knowledge, no experimental evidence demonstrating an impact on protein function has been reported. The following publications have been ascertained in the context of this evaluation (PMID: 36284460, 24938718). ClinVar contains an entry for this variant (Variation ID: 3028454). Based on the evidence outlined above, the variant was classified as VUS-possibly pathogenic.

Dept Of Ophthalmology, Nagoya University
Classification: Uncertain significance for Retinal dystrophy. Last evaluated: 2023-10-01. Review status: criteria provided, single submitter. Criteria: Submitter's publication. Collection method: research. Allele origin: germline. Affected: yes.

Literature cited by the submitters: PubMed 24938718 (cited by Women's Health and Genetics/Laboratory Corporation of America, LabCorp); PubMed 36284460 (cited by Women's Health and Genetics/Laboratory Corporation of America, LabCorp).

NM_201253.3(CRB1):c.2711C>G (p.Ser904Cys)

Gene: CRB1 (crumbs cell polarity complex component 1; plus strand). Cytogenetic location: 1q31.3.
Variant type: single nucleotide variant.
Coding change: c.2711C>G on transcript NM_201253.3 (MANE Select); coding-DNA position 2711, C replaced by G.
Protein change: p.Ser904Cys; replaces serine 904 with cysteine.
Molecular consequence: missense variant. On other transcripts: non-coding transcript variant (2), intron variant (1).
Genome position (GRCh38, 1-based): chr1:197,429,483, C>G. VCF-style: chr1-197429483-C-G. GRCh37 (hg19) VCF-style: chr1-197398613-C-G.
Other names: c.2375C>G, p.Ser792Cys (NM_001193640.2); c.2639C>G, p.Ser880Cys (NM_001257965.2); c.2129-6117C>G (NM_001257966.2); short protein forms S792C, S880C, S904C.
Identifiers: ClinVar variation 3028454 (VCV003028454.2), dbSNP rs2528165472, ClinGen allele CA344040494.